The following is an entry in ClinVar:

ClinVar aggregate classification (germline): Uncertain significance (1 of 4 stars; one submission).

Allele frequency attached by ClinVar (database versions not stated): TOPMed below 0.00001.

Submission:

Labcorp Genetics (formerly Invitae), Labcorp
Classification: Uncertain significance. Last evaluated: 2022-10-03. Review status: criteria provided, single submitter. Criteria: Invitae Variant Classification Sherloc (09022015). Collection method: clinical testing. Allele origin: germline.
Comment: In summary, the available evidence is currently insufficient to determine the role of this variant in disease. Therefore, it has been classified as a Variant of Uncertain Significance. Algorithms developed to predict the effect of sequence changes on RNA splicing suggest that this variant may create or strengthen a splice site. This variant has not been reported in the literature in individuals affected with KIF23-related conditions. This variant is not present in population databases (gnomAD no frequency). This sequence change falls in intron 9 of the KIF23 gene. It does not directly change the encoded amino acid sequence of the KIF23 protein.

NM_001367805.3(KIF23):c.1012-7T>G

Gene: KIF23 (kinesin family member 23; plus strand). Cytogenetic location: 15q23.
Variant type: single nucleotide variant.
Coding change: c.1012-7T>G on transcript NM_001367805.3 (MANE Select); 7 bases into the intron before coding-DNA position 1012, T replaced by G.
Molecular consequence: intron variant.
Genome position (GRCh38, 1-based): chr15:69,429,104, T>G. VCF-style: chr15-69429104-T-G. GRCh37 (hg19) VCF-style: chr15-69721443-T-G.
Other names: c.970-7T>G (NM_138555.4, NM_001367804.2, NM_004856.7); c.640-7T>G (NM_001281301.2).
Identifiers: ClinVar variation 2029737 (VCV002029737.4), dbSNP rs1180435493, ClinGen allele CA715270807.